The following is an entry in ClinVar:

NM_000020.3(ACVRL1):c.1427C>G (p.Pro476Arg)

Gene: ACVRL1 (activin A receptor like type 1; plus strand). Cytogenetic location: 12q13.13.
Variant type: single nucleotide variant.
Coding change: c.1427C>G on transcript NM_000020.3 (MANE Select); coding-DNA position 1427, C replaced by G.
Protein change: p.Pro476Arg; replaces proline 476 with arginine.
Molecular consequence: missense variant.
Genome position (GRCh38, 1-based): chr12:51,920,808, C>G. VCF-style: chr12-51920808-C-G. GRCh37 (hg19) VCF-style: chr12-52314592-C-G.
Other names: c.1427C>G, p.Pro476Arg (NM_001077401.2); short protein forms P476R.
Identifiers: ClinVar variation 835099 (VCV000835099.11), dbSNP rs1940955941, ClinGen allele CA384905615.

ClinVar aggregate classification (germline): Likely pathogenic. Review status: criteria provided, multiple submitters, no conflicts (2 of 4 stars). 2 submissions from 2 submitters: Likely pathogenic (2). Last evaluated 2024-08-14.

Conditions:
Telangiectasia, hereditary hemorrhagic, type 2 (HHT2). Also called: Telangiectasia, hereditary hemorrhagic, type II; ACVRL1-Related Hereditary Hemorrhagic Telangiectasia. Identifiers: Orphanet 774, MedGen C1838163, MONDO:0010880, OMIM 600376. Disease mechanism: loss of function.

Submissions (2):

Labcorp Genetics (formerly Invitae), Labcorp
Classification: Likely pathogenic for Telangiectasia, hereditary hemorrhagic, type 2. Last evaluated: 2024-08-14. Review status: criteria provided, single submitter. Criteria: Invitae Variant Classification Sherloc (09022015). Collection method: clinical testing. Allele origin: germline.
Comment: This sequence change replaces proline, which is neutral and non-polar, with arginine, which is basic and polar, at codon 476 of the ACVRL1 protein (p.Pro476Arg). This variant is not present in population databases (gnomAD no frequency). This missense change has been observed in individual(s) with hereditary hemorrhagic telangiectasia (PMID: 32573726; Invitae). ClinVar contains an entry for this variant (Variation ID: 835099). Invitae Evidence Modeling of protein sequence and biophysical properties (such as structural, functional, and spatial information, amino acid conservation, physicochemical variation, residue mobility, and thermodynamic stability) indicates that this missense variant is expected to disrupt ACVRL1 protein function with a positive predictive value of 95%. This variant disrupts the p.Pro476 amino acid residue in ACVRL1. Other variant(s) that disrupt this residue have been observed in individuals with ACVRL1-related conditions (Invitae), which suggests that this may be a clinically significant amino acid residue. In summary, the currently available evidence indicates that the variant is pathogenic, but additional data are needed to prove that conclusively. Therefore, this variant has been classified as Likely Pathogenic.

NIHR Bioresource Rare Diseases, University of Cambridge
Classification: Likely pathogenic for Telangiectasia, hereditary hemorrhagic, type 2. Last evaluated: 2018-01-01. Review status: criteria provided, single submitter. Criteria: ACMG Guidelines, 2015. Collection method: research. Allele origin: unknown. Affected: yes. Observed: 1 variant allele.
Comment: PM2+PM1+PP4

Literature cited by the submitters: PubMed 32573726 (cited by Labcorp Genetics (formerly Invitae), Labcorp and NIHR Bioresource Rare Diseases, University of Cambridge).